The following is an entry in ClinVar:

ClinVar aggregate classification (germline): Uncertain significance (1 of 4 stars; one submission).

Conditions:
Cohen syndrome (COH1). Also called: Cutis verticis gyrata, retinitis pigmentosa, and sensorineural deafness; PEPPER SYNDROME. Identifiers: Orphanet 193, MedGen C0265223, MONDO:0008999, OMIM 216550.

Allele frequency attached by ClinVar (database versions not stated): ExAC 0.00001; gnomAD exomes 0.00001; TOPMed 0.00002.
gnomAD v4.1: 8 of 1,613,658 alleles (0.0005%); highest among the groups gnomAD compares: East Asian, 0.018%; no homozygotes.

Submission:

Labcorp Genetics (formerly Invitae), Labcorp
Classification: Uncertain significance for Cohen syndrome. Last evaluated: 2025-09-08. Review status: criteria provided, single submitter. Criteria: Invitae Variant Classification Sherloc (09022015). Collection method: clinical testing. Allele origin: germline.
Comment: This sequence change replaces threonine, which is neutral and polar, with lysine, which is basic and polar, at codon 1538 of the VPS13B protein (p.Thr1538Lys). This variant is present in population databases (rs773650885, gnomAD 0.02%). This variant has not been reported in the literature in individuals affected with VPS13B-related conditions. ClinVar contains an entry for this variant (Variation ID: 2162274). Invitae Evidence Modeling of protein sequence and biophysical properties (such as structural, functional, and spatial information, amino acid conservation, physicochemical variation, residue mobility, and thermodynamic stability) has been performed for this missense variant. However, the output from this modeling did not meet the statistical confidence thresholds required to predict the impact of this variant on VPS13B protein function. In summary, the available evidence is currently insufficient to determine the role of this variant in disease. Therefore, it has been classified as a Variant of Uncertain Significance.

NM_152564.5(VPS13B):c.4538C>A (p.Thr1513Lys)

Gene: VPS13B (vacuolar protein sorting 13 homolog B; plus strand). Cytogenetic location: 8q22.2.
Variant type: single nucleotide variant.
Coding change: c.4538C>A on transcript NM_152564.5 (MANE Select); coding-DNA position 4538, C replaced by A.
Protein change: p.Thr1513Lys; replaces threonine 1513 with lysine.
Molecular consequence: missense variant.
Genome position (GRCh38, 1-based): chr8:99,511,417, C>A. VCF-style: chr8-99511417-C-A. GRCh37 (hg19) VCF-style: chr8-100523645-C-A.
Other names: c.4613C>A, p.Thr1538Lys (NM_017890.5); short protein forms T1513K, T1538K.
Identifiers: ClinVar variation 2162274 (VCV002162274.2), dbSNP rs773650885, ClinGen allele CA4823548.